The following is an entry in ClinVar:

NM_000245.4(MET):c.3767A>G (p.Gln1256Arg)

Gene: MET (MET proto-oncogene, receptor tyrosine kinase; plus strand). Cytogenetic location: 7q31.2.
Variant type: single nucleotide variant.
Coding change: c.3767A>G on transcript NM_000245.4 (MANE Select); coding-DNA position 3767, A replaced by G.
Protein change: p.Gln1256Arg; replaces glutamine 1256 with arginine.
Molecular consequence: missense variant.
Genome position (GRCh38, 1-based): chr7:116,783,438, A>G. VCF-style: chr7-116783438-A-G. GRCh37 (hg19) VCF-style: chr7-116423492-A-G.
Other names: c.3821A>G, p.Gln1274Arg (NM_001127500.3); c.2477A>G, p.Gln826Arg (NM_001324402.2); short protein forms Q1274R, Q826R, Q1256R.
Identifiers: ClinVar variation 2818670 (VCV002818670.3), dbSNP rs2117067262, ClinGen allele CA368991961.
Genomic context (GRCh38, chr7:116,783,438, plus strand): 5'-GTGTACACAACAAAACAGGTGCAAAGCTGCCAGTGAAGTGGATGGCTTTGGAAAGTCTGC[A>G]AACTCAAAAGTTTACCACCAAGTCAGATGTGGTAATGTATTGGTTATCTCTGAGTTTCTC-3'
Protein context (NP_000236.2, residues 1246-1266): PVKWMALESL[Gln1256Arg]TQKFTTKSDV

ClinVar aggregate classification (germline): Uncertain significance (1 of 4 stars; one submission).

Conditions:
Renal cell carcinoma. Identifiers: Orphanet 217071, MedGen C0007134, MeSH D002292, MONDO:0005086, HP:0005584.

Submission:

Labcorp Genetics (formerly Invitae), Labcorp
Classification: Uncertain significance for Renal cell carcinoma. Last evaluated: 2023-09-22. Review status: criteria provided, single submitter. Criteria: Invitae Variant Classification Sherloc (09022015). Collection method: clinical testing. Allele origin: germline.
Comment: In summary, the available evidence is currently insufficient to determine the role of this variant in disease. Therefore, it has been classified as a Variant of Uncertain Significance. Advanced modeling of protein sequence and biophysical properties (such as structural, functional, and spatial information, amino acid conservation, physicochemical variation, residue mobility, and thermodynamic stability) performed at Invitae indicates that this missense variant is expected to disrupt MET protein function. This variant has not been reported in the literature in individuals affected with MET-related conditions. This variant is not present in population databases (gnomAD no frequency). This sequence change replaces glutamine, which is neutral and polar, with arginine, which is basic and polar, at codon 1274 of the MET protein (p.Gln1274Arg).